The following is an entry in ClinVar:

ClinVar aggregate classification (germline): Benign/Likely benign. Review status: criteria provided, multiple submitters, no conflicts (2 of 4 stars). 3 submissions from 3 submitters: Benign (1); Likely benign (1). 1 of the submissions does not count toward it. Last evaluated 2025-06-11.

Conditions:
von Willebrand disease type 1 (VWD1). Also called: VWD, TYPE 1; VON WILLEBRAND DISEASE, TYPE I. Identifiers: Orphanet 166078, Orphanet 903, MedGen C1264039, MONDO:0008668, OMIM 193400. Inheritance: autosomal recessive or autosomal dominant.

Submissions (3):

Quest Diagnostics Nichols Institute San Juan Capistrano
Classification: Benign. Last evaluated: 2025-06-11. Review status: criteria provided, single submitter. Criteria: Quest Diagnostics criteria. Collection method: clinical testing. Allele origin: unknown.

Blueprint Genetics
Classification: Likely benign. Last evaluated: 2024-07-26. Review status: criteria provided, single submitter. Criteria: ACMG Guidelines, 2015. Collection method: clinical testing. Allele origin: germline.

Department of Laboratory Medicine, Ruijin Hospital
Classification: Benign for von Willebrand disease type 1. Last evaluated: 2021-09-01. Review status: no assertion criteria provided. Collection method: research. Allele origin: germline. Affected: yes. Not counted in ClinVar's aggregate classification.
Comment: This variant was inherited in-cis with c.6535T>C (NM_000552.4)

Literature cited by the submitters: PubMed 21251206 (cited by Quest Diagnostics Nichols Institute San Juan Capistrano and Department of Laboratory Medicine, Ruijin Hospital); PubMed 30361419 (cited by Quest Diagnostics Nichols Institute San Juan Capistrano and Department of Laboratory Medicine, Ruijin Hospital).

NM_000552.5(VWF):c.5171-9del

Gene: VWF (von Willebrand factor; minus strand). Cytogenetic location: 12p13.31.
Variant type: Deletion.
Coding change: c.5171-9del on transcript NM_000552.5 (MANE Select); 9 bases into the intron before coding-DNA position 5171, one base deleted (T; older notation c.5171-9delT).
Molecular consequence: intron variant.
Genome position (GRCh38, 1-based): chr12:6,016,665, A deleted on the plus strand (T on the coding strand, the reverse complement: VWF is on the minus strand); the first of 2 consecutive A bases (chr12:6,016,665-6,016,666); deleting either gives the same sequence. VCF-style (leftmost placement, unchanged base first): chr12-6016664-GA-G. GRCh37 (hg19) VCF-style: chr12-6125830-GA-G.
Identifiers: ClinVar variation 993160 (VCV000993160.4), dbSNP rs199893035, ClinGen allele CA6402359.